The following is an entry in ClinVar:

ClinVar aggregate classification (germline): Uncertain significance (1 of 4 stars; one submission).

Conditions:
Retinitis pigmentosa 12 (RP12). Also called: RP WITH OR WITHOUT PPRPE; RP WITH OR WITHOUT PRESERVED PARAARTERIOLE RETINAL PIGMENT EPITHELIUM; RETINITIS PIGMENTOSA WITH OR WITHOUT PARAARTERIOLAR PRESERVATION OF RETINAL PIGMENT EPITHELIUM. Identifiers: Orphanet 791, MedGen C1838647, MONDO:0010818, OMIM 600105.
Leber congenital amaurosis 8 (LCA8). Identifiers: Orphanet 65, MedGen C3151202, MONDO:0013453, OMIM 613835.

Submission:

Labcorp Genetics (formerly Invitae), Labcorp
Classification: Uncertain significance for Leber congenital amaurosis 8; Retinitis pigmentosa 12. Last evaluated: 2022-03-31. Review status: criteria provided, single submitter. Criteria: Invitae Variant Classification Sherloc (09022015). Collection method: clinical testing. Allele origin: germline.
Comment: Advanced modeling of protein sequence and biophysical properties (such as structural, functional, and spatial information, amino acid conservation, physicochemical variation, residue mobility, and thermodynamic stability) performed at Invitae indicates that this missense variant is expected to disrupt CRB1 protein function. This variant has not been reported in the literature in individuals affected with CRB1-related conditions. This variant is not present in population databases (gnomAD no frequency). This sequence change replaces tyrosine, which is neutral and polar, with cysteine, which is neutral and slightly polar, at codon 1158 of the CRB1 protein (p.Tyr1158Cys). In summary, the available evidence is currently insufficient to determine the role of this variant in disease. Therefore, it has been classified as a Variant of Uncertain Significance.

NM_201253.3(CRB1):c.3473A>G (p.Tyr1158Cys)

Gene: CRB1 (crumbs cell polarity complex component 1; plus strand). Cytogenetic location: 1q31.3.
Variant type: single nucleotide variant.
Coding change: c.3473A>G on transcript NM_201253.3 (MANE Select); coding-DNA position 3473, A replaced by G.
Protein change: p.Tyr1158Cys; replaces tyrosine 1158 with cysteine.
Molecular consequence: missense variant. On other transcripts: non-coding transcript variant (2), intron variant (1).
Genome position (GRCh38, 1-based): chr1:197,435,336, A>G. VCF-style: chr1-197435336-A-G. GRCh37 (hg19) VCF-style: chr1-197404466-A-G.
Other names: c.3137A>G, p.Tyr1046Cys (NM_001193640.2); c.3401A>G, p.Tyr1134Cys (NM_001257965.2); c.2129-264A>G (NM_001257966.2); short protein forms Y1046C, Y1134C, Y1158C.
Identifiers: ClinVar variation 1355599 (VCV001355599.6), dbSNP rs2125500588, ClinGen allele CA344048212.
Genomic context (GRCh38, chr1:197,435,336, plus strand): 5'-TGCAGTTAAATGTCTGCAACTCCAACCCCTGTTTGCATGGAGGAAACTGTGAAGACATCT[A>G]TAGCTCTTATCATTGCTCCTGTCCCTTGGGATGGTCAGGGAAACACTGTGAACTCAACAT-3'
Protein context (NP_957705.1, residues 1148-1168): CLHGGNCEDI[Tyr1158Cys]SSYHCSCPLG